The following is an entry in ClinVar:

NM_001009944.3(PKD1):c.99C>G (p.Cys33Trp)

Gene: PKD1 (polycystin 1, transient receptor potential channel interacting; minus strand). Cytogenetic location: 16p13.3.
Variant type: single nucleotide variant.
Coding change: c.99C>G on transcript NM_001009944.3 (MANE Select); coding-DNA position 99, C replaced by G.
Protein change: p.Cys33Trp; replaces cysteine 33 with tryptophan.
Molecular consequence: missense variant.
Genome position (GRCh38, 1-based): chr16:2,135,591, G>C on the plus strand (C>G on the coding strand, the complement: PKD1 is on the minus strand). VCF-style: chr16-2135591-G-C. GRCh37 (hg19) VCF-style: chr16-2185592-G-C.
Other names: c.99C>G, p.Cys33Trp (NM_000296.4); short protein forms C33W.
Identifiers: ClinVar variation 4874894 (VCV004874894.2).

ClinVar aggregate classification (germline): Uncertain significance (1 of 4 stars; one submission).

Submission:

CeGaT Center for Human Genetics Tuebingen
Classification: Uncertain significance. Last evaluated: 2026-05-01. Review status: criteria provided, single submitter. Criteria: CeGaT Center For Human Genetics Tuebingen Variant Classification Criteria Version 2. Collection method: clinical testing. Allele origin: germline. Affected: yes. Observed: 1 variant allele.
Comment: PKD1: PM2